The following is an entry in ClinVar:

ClinVar aggregate classification (germline): Pathogenic. Review status: criteria provided, single submitter (1 of 4 stars). 2 submissions from 2 submitters: Pathogenic (1). 1 of the submissions does not count toward it. Last evaluated 2021-03-17.

Conditions:
Autosomal recessive osteopetrosis 1. Also called: ALBERS-SCHONBERG DISEASE, AUTOSOMAL RECESSIVE; TCIRG1-Related Osteopetrosis; TCIRG1-Related Autosomal Recessive Osteopetrosis. Identifiers: Orphanet 667, MedGen C1850127, MONDO:0009815, OMIM 259700.

Submissions (2):

Labcorp Genetics (formerly Invitae), Labcorp
Classification: Pathogenic. Last evaluated: 2021-03-17. Review status: criteria provided, single submitter. Criteria: Invitae Variant Classification Sherloc (09022015). Collection method: clinical testing. Allele origin: germline.
Comment: For these reasons, this variant has been classified as Pathogenic. This variant has not been reported in the literature in individuals with TCIRG1-related conditions. ClinVar contains an entry for this variant (Variation ID: 305784). The frequency data for this variant in the population databases is considered unreliable, as metrics indicate insufficient coverage at this position in the ExAC database. This sequence change creates a premature translational stop signal (p.Glu102Trpfs*62) in the TCIRG1 gene. It is expected to result in an absent or disrupted protein product. Loss-of-function variants in TCIRG1 are known to be pathogenic (PMID: 10888887, 10942435, 11532986, 19448635).

Counsyl
Classification: Likely pathogenic for Autosomal recessive osteopetrosis 1. Last evaluated: 2018-02-20. Review status: no assertion criteria provided. Collection method: clinical testing. Allele origin: unknown. Not counted in ClinVar's aggregate classification.

Literature cited by the submitters: PubMed 10888887 (cited by Labcorp Genetics (formerly Invitae), Labcorp); PubMed 10942435 (cited by Labcorp Genetics (formerly Invitae), Labcorp); PubMed 11532986 (cited by Labcorp Genetics (formerly Invitae), Labcorp); PubMed 19448635 (cited by Labcorp Genetics (formerly Invitae), Labcorp).

NM_006019.4(TCIRG1):c.303_309del (p.Glu102fs)

Gene: TCIRG1 (T cell immune regulator 1, ATPase H+ transporting V0 subunit a3; plus strand). Cytogenetic location: 11q13.2.
Variant type: Deletion.
Coding change: c.303_309del on transcript NM_006019.4 (MANE Select); coding-DNA positions 303 to 309, 7 bases deleted (GGAGCGC; older notation c.303_309delGGAGCGC).
Protein change: p.Glu102fs; shifts the reading frame from glutamic acid 102.
Molecular consequence: frameshift variant. On other transcripts: 5 prime UTR variant (1).
Genome position (GRCh38, 1-based): chr11:68,042,749-68,042,755, GGAGCGC deleted; deleting any 7 consecutive bases within chr11:68,042,748-68,042,755 gives the same sequence; the c. name uses the placement nearest the transcript's 3' end. VCF-style (leftmost placement, unchanged base first): chr11-68042747-ACGGAGCG-A. GRCh37 (hg19) VCF-style: chr11-67810214-ACGGAGCG-A.
Other names: c.303_309del7 (NM_006019.3); c.-947_-941del (NM_001351059.2); short protein forms E102fs.
Identifiers: ClinVar variation 305784 (VCV000305784.12), dbSNP rs886048594, ClinGen allele CA10631406.